The following is an entry in ClinVar:

ClinVar aggregate classification (germline): Uncertain significance (1 of 4 stars; one submission).

Submission:

Labcorp Genetics (formerly Invitae), Labcorp
Classification: Uncertain significance. Last evaluated: 2023-08-04. Review status: criteria provided, single submitter. Criteria: Invitae Variant Classification Sherloc (09022015). Collection method: clinical testing. Allele origin: germline.
Comment: This sequence change creates a premature translational stop signal (p.Ser814Argfs*64) in the CTNNA1 gene. While this is not anticipated to result in nonsense mediated decay, it is expected to disrupt the last 93 amino acid(s) of the CTNNA1 protein. This variant is not present in population databases (gnomAD no frequency). This variant has not been reported in the literature in individuals affected with CTNNA1-related conditions. Experimental studies and prediction algorithms are not available or were not evaluated, and the functional significance of this variant is currently unknown. RNA analysis performed to evaluate the impact of this premature translational stop signal on mRNA splicing indicates it does not significantly alter splicing (Invitae). In summary, the available evidence is currently insufficient to determine the role of this variant in disease. Therefore, it has been classified as a Variant of Uncertain Significance.

NM_001903.5(CTNNA1):c.2441dup (p.Ser814fs)

Gene: CTNNA1 (catenin alpha 1; plus strand). Cytogenetic location: 5q31.2.
Variant type: Duplication.
Coding change: c.2441dup on transcript NM_001903.5 (MANE Select); coding-DNA position 2441, one base duplicated (G; older notation c.2441dupG).
Protein change: p.Ser814fs; shifts the reading frame from serine 814.
Molecular consequence: frameshift variant. On other transcripts: intron variant (1).
Genome position (GRCh38, 1-based): chr5:138,933,809, G duplicated. VCF-style (leftmost placement, unchanged base first): chr5-138933808-A-AG. GRCh37 (hg19) VCF-style: chr5-138269497-A-AG.
Other names: c.992dup, p.Ser331fs (NM_001324009.1, NM_001324010.1, NM_001324006.1 and 2 more transcripts); c.1238dup, p.Ser413fs (NM_001324011.1); c.1088dup, p.Ser363fs (NM_001324012.1, NM_001324013.1); c.2434-20dup (NM_001323985.2); c.2512dup, p.Ala838fs (NM_001290307.3); c.2132dup, p.Ser711fs (NM_001290309.3); c.2072dup, p.Ser691fs (NM_001290310.3); c.1331dup, p.Ser444fs (NM_001290312.1, NM_001323987.1, NM_001323988.1 and 12 more transcripts); and 4 more; short protein forms A468fs, S331fs, S399fs, S691fs, S711fs, A838fs, S413fs, S444fs.
Identifiers: ClinVar variation 2725030 (VCV002725030.3), dbSNP rs2533947760, ClinGen allele CA2697546516.